The following is an entry in ClinVar:

ClinVar aggregate classification (germline): Uncertain significance (1 of 4 stars; one submission).

Allele frequency attached by ClinVar (database versions not stated): TOPMed below 0.00001.

Submission:

GeneDx
Classification: Uncertain significance. Last evaluated: 2017-09-25. Review status: criteria provided, single submitter. Criteria: GeneDx Variant Classification (06012015). Collection method: clinical testing. Allele origin: germline. Affected: yes.
Comment: The F156V variant in the GJB6 gene has not been reported previously as a pathogenic variant, nor as a benign variant, to our knowledge. This variant is not observed in large population cohorts (Lek et al., 2016; 1000 Genomes Consortium et al., 2015; Exome Variant Server). The F156V variant is a semi-conservative amino acid substitution, which may impact secondary protein structure as these residues differ in some properties. In addition, this substitution occurs at a position that is conserved across mammalian species. However, in silico analysis is inconsistent in its predictions as to whether or not the variant is damaging to the protein structure/function. We interpret F156V as a variant of uncertain significance.

NM_001110219.3(GJB6):c.466T>G (p.Phe156Val)

Gene: GJB6 (gap junction protein beta 6; minus strand). Cytogenetic location: 13q12.11.
Variant type: single nucleotide variant.
Coding change: c.466T>G on transcript NM_001110219.3 (MANE Select); coding-DNA position 466, T replaced by G.
Protein change: p.Phe156Val; replaces phenylalanine 156 with valine.
Molecular consequence: missense variant.
Genome position (GRCh38, 1-based): chr13:20,223,015, A>C on the plus strand (T>G on the coding strand, the complement: GJB6 is on the minus strand). VCF-style: chr13-20223015-A-C. GRCh37 (hg19) VCF-style: chr13-20797154-A-C.
Other names: c.466T>G, p.Phe156Val (NM_001110220.3, NM_001110221.3, NM_001370090.1 and 3 more transcripts); short protein forms F156V.
Identifiers: ClinVar variation 452079 (VCV000452079.2), dbSNP rs1555343516, ClinGen allele CA387468046.
Genomic context (GRCh38, chr13:20,223,015, plus strand): 5'-TGGGGCAGGGGTCAATCCCACATTTCAACACCCAGGGCAGGTGGTACCCATTGTAAAGGA[A>C]GTAAAACACATACATAAAGGCTGCTTCAAAGATGATTCGGAAAAAGATGCTGCTGGTGTA-3'
Protein context (NP_001103689.1, residues 146-166): FEAAFMYVFY[Phe156Val]LYNGYHLPWV